The following is an entry in ClinVar:

NM_000143.4(FH):c.1277C>A (p.Ala426Asp)

Gene: FH (fumarate hydratase; minus strand). Cytogenetic location: 1q43.
Variant type: single nucleotide variant.
Coding change: c.1277C>A on transcript NM_000143.4 (MANE Select); coding-DNA position 1277, C replaced by A.
Protein change: p.Ala426Asp; replaces alanine 426 with aspartic acid.
Molecular consequence: missense variant.
Genome position (GRCh38, 1-based): chr1:241,500,550, G>T on the plus strand (C>A on the coding strand, the complement: FH is on the minus strand). VCF-style: chr1-241500550-G-T. GRCh37 (hg19) VCF-style: chr1-241663850-G-T.
Other names: short protein forms A426D.
Identifiers: ClinVar variation 460338 (VCV000460338.9), dbSNP rs1553340703, ClinGen allele CA345436795.

ClinVar aggregate classification (germline): Uncertain significance (1 of 4 stars; one submission).

Submission:

Labcorp Genetics (formerly Invitae), Labcorp
Classification: Uncertain significance. Last evaluated: 2022-10-04. Review status: criteria provided, single submitter. Criteria: Invitae Variant Classification Sherloc (09022015). Collection method: clinical testing. Allele origin: germline.
Comment: This sequence change replaces alanine, which is neutral and non-polar, with aspartic acid, which is acidic and polar, at codon 426 of the FH protein (p.Ala426Asp). This variant is not present in population databases (gnomAD no frequency). This variant has not been reported in the literature in individuals affected with FH-related conditions. ClinVar contains an entry for this variant (Variation ID: 460338). Advanced modeling of protein sequence and biophysical properties (such as structural, functional, and spatial information, amino acid conservation, physicochemical variation, residue mobility, and thermodynamic stability) performed at Invitae indicates that this missense variant is expected to disrupt FH protein function. Algorithms developed to predict the effect of sequence changes on RNA splicing suggest that this variant may create or strengthen a splice site. In summary, the available evidence is currently insufficient to determine the role of this variant in disease. Therefore, it has been classified as a Variant of Uncertain Significance.